The following is an entry in ClinVar:

NM_001242896.3(DEPDC5):c.3461C>T (p.Ser1154Phe)

Gene: DEPDC5 (DEP domain containing 5, GATOR1 subcomplex subunit; plus strand). Cytogenetic location: 22q12.3.
Variant type: single nucleotide variant.
Coding change: c.3461C>T on transcript NM_001242896.3 (MANE Select); coding-DNA position 3461, C replaced by T.
Protein change: p.Ser1154Phe; replaces serine 1154 with phenylalanine.
Molecular consequence: missense variant. On other transcripts: non-coding transcript variant (5).
Genome position (GRCh38, 1-based): chr22:31,870,720, C>T. VCF-style: chr22-31870720-C-T. GRCh37 (hg19) VCF-style: chr22-32266706-C-T.
Other names: c.3434C>T, p.Ser1145Phe (NM_001136029.4); c.3161C>T, p.Ser1054Phe (NM_001242897.2); c.3395C>T, p.Ser1132Phe (NM_001363852.2, NM_001364320.2); c.3227C>T, p.Ser1076Phe (NM_001363854.2, NM_001364319.2); c.3461C>T, p.Ser1154Phe (NM_001364318.2); c.3377C>T, p.Ser1126Phe (NM_001369901.1, NM_001369902.1); c.3368C>T, p.Ser1123Phe (NM_001369903.1, NM_014662.6); short protein forms S1054F, S1154F, S1076F, S1126F, S1132F, S1123F, S1145F.
Identifiers: ClinVar variation 264763 (VCV000264763.20), dbSNP rs578244490, ClinGen allele CA10196978.

ClinVar aggregate classification (germline): Uncertain significance. Review status: criteria provided, multiple submitters, no conflicts (2 of 4 stars). 8 submissions from 8 submitters: Uncertain significance (4). 4 of the submissions do not count toward it. Last evaluated 2025-09-10.

Conditions:
DEPDC5-related disorder. Also called: DEPDC5-related condition; DEPDC5-related related disorder.
Familial focal epilepsy with variable foci (FPEVF). Identifiers: Orphanet 98820, MedGen C1858477, MONDO:0020310.
Epilepsy, familial focal, with variable foci 1 (FFEVF1). Also called: DEPDC5-Related Epilepsy. Identifiers: MedGen C4551983, MONDO:0024556, OMIM 604364.

Allele frequency attached by ClinVar (database versions not stated): gnomAD exomes 0.00010 and 0.00008; ExAC 0.00004; gnomAD 0.00003; TOPMed 0.00005.
gnomAD v4.1: 139 of 1,583,666 alleles (0.0088%); highest among the groups gnomAD compares: Non-Finnish European, 0.011%; no homozygotes.

Submissions (8):

Labcorp Genetics (formerly Invitae), Labcorp
Classification: Uncertain significance for Familial focal epilepsy with variable foci. Last evaluated: 2025-09-10. Review status: criteria provided, single submitter. Criteria: Invitae Variant Classification Sherloc (09022015). Collection method: clinical testing. Allele origin: germline.
Comment: This sequence change replaces serine, which is neutral and polar, with phenylalanine, which is neutral and non-polar, at codon 1154 of the DEPDC5 protein (p.Ser1154Phe). This variant is present in population databases (rs578244490, gnomAD 0.01%). This missense change has been observed in individual(s) with clinical features of DEPDC5-related conditions (PMID: 26505888). ClinVar contains an entry for this variant (Variation ID: 264763). Algorithms developed to predict the effect of variants on gene product structure and function are not available or were not evaluated for this variant. Experimental studies have shown that this missense change does not substantially affect DEPDC5 function (PMID: 31639411). In summary, the available evidence is currently insufficient to determine the role of this variant in disease. Therefore, it has been classified as a Variant of Uncertain Significance.

PreventionGenetics, part of Exact Sciences
Classification: Uncertain significance for DEPDC5-related condition. Last evaluated: 2024-12-16. Review status: criteria provided, single submitter. Criteria: ACMG Guidelines, 2015. Collection method: clinical testing. Allele origin: germline.
Comment: The DEPDC5 c.3461C>T variant is predicted to result in the amino acid substitution p.Ser1154Phe. This variant was reported in an family with epilepsy, however the variant did not segregate with the disease completely (Ricos et al. 2016. PubMed ID: 26505888 Figure 2). Functional studies show that this variant does not significantly affect the protein function (Dawson et al. 2019. PubMed ID: 31639411). This variant is reported in 0.015% of alleles in individuals of European (Non-Finnish) descent in gnomAD. At this time, the clinical significance of this variant is uncertain due to the absence of conclusive functional and genetic evidence.

Women's Health and Genetics/Laboratory Corporation of America, LabCorp
Classification: Uncertain significance. Last evaluated: 2024-03-01. Review status: criteria provided, single submitter. Criteria: LabCorp Variant Classification Summary - May 2015. Collection method: clinical testing. Allele origin: germline.
Comment: Variant summary: DEPDC5 c.3461C>T (p.Ser1154Phe) results in a non-conservative amino acid change in the encoded protein sequence. Three of four in-silico tools predict a benign effect of the variant on protein function. The variant allele was found at a frequency of 8.2e-05 in 220714 control chromosomes. c.3461C>T has been reported in the literature in three individuals from one family, among whom, one individual was affected with Temporal Lobe Epilepsy, the second individual was noted with unclassified phenotype, and the third individual was reported to be unaffected (Ricos_2016). These report(s) do not provide unequivocal conclusions about association of the variant with Epilepsy, Familial Focal, With Variable Foci 1. At least one publication reports experimental evidence evaluating an impact on protein function. These results showed no damaging effect of this variant by measuring the DEPDC5 expression and the affect on mTORC1 activity (Dawson_2019). The following publications have been ascertained in the context of this evaluation (PMID: 27208208, 31639411, 26505888). ClinVar contains an entry for this variant (Variation ID: 264763). Based on the evidence outlined above, the variant was classified as uncertain significance.

Athena Diagnostics
Classification: Uncertain significance. Last evaluated: 2019-02-01. Review status: criteria provided, single submitter. Criteria: Athena Diagnostics Criteria. Collection method: clinical testing. Allele origin: germline.

Clinical Genetics DNA and cytogenetics Diagnostics Lab, Erasmus MC, Erasmus Medical Center
Classification: Uncertain significance. Review status: no assertion criteria provided. Collection method: clinical testing. Allele origin: germline. Affected: yes. Study: VKGL Data-share Consensus. Not counted in ClinVar's aggregate classification.

Diagnostic Laboratory, Department of Genetics, University Medical Center Groningen
Classification: Uncertain significance. Review status: no assertion criteria provided. Collection method: clinical testing. Allele origin: germline. Affected: yes. Study: VKGL Data-share Consensus. Not counted in ClinVar's aggregate classification.

GeneReviews
No classification provided. Condition: Epilepsy, familial focal, with variable foci 1. Review status: no classification provided. Collection method: literature only. Allele origin: germline. Affected: yes. Not counted in ClinVar's aggregate classification.

Genome Diagnostics Laboratory, University Medical Center Utrecht
Classification: Uncertain significance. Review status: no assertion criteria provided. Collection method: clinical testing. Allele origin: germline. Affected: yes. Study: VKGL Data-share Consensus. Not counted in ClinVar's aggregate classification.

Literature cited by the submitters: PubMed 26505888 (cited by 4 submitters); PubMed 31639411 (cited by Labcorp Genetics (formerly Invitae), Labcorp and Women's Health and Genetics/Laboratory Corporation of America, LabCorp); PubMed 27208208 (cited by Women's Health and Genetics/Laboratory Corporation of America, LabCorp); NCBI Bookshelf NBK385626 (cited by GeneReviews).